The following is an entry in ClinVar:

NM_000744.7(CHRNA4):c.1313A>G (p.Glu438Gly)

Gene: CHRNA4 (cholinergic receptor nicotinic alpha 4 subunit; minus strand). Cytogenetic location: 20q13.33.
Variant type: single nucleotide variant.
Coding change: c.1313A>G on transcript NM_000744.7 (MANE Select); coding-DNA position 1313, A replaced by G.
Protein change: p.Glu438Gly; replaces glutamic acid 438 with glycine.
Molecular consequence: missense variant. On other transcripts: non-coding transcript variant (1).
Genome position (GRCh38, 1-based): chr20:63,350,098, T>C on the plus strand (A>G on the coding strand, the complement: CHRNA4 is on the minus strand). VCF-style: chr20-63350098-T-C. GRCh37 (hg19) VCF-style: chr20-61981450-T-C.
Other names: c.785A>G, p.Glu262Gly (NM_001256573.2); short protein forms E262G, E438G.
Identifiers: ClinVar variation 944990 (VCV000944990.9), dbSNP rs2068563339, ClinGen allele CA409633884.

ClinVar aggregate classification (germline): Uncertain significance (1 of 4 stars; one submission).

Conditions:
Familial sleep-related hypermotor epilepsy. Also called: Autosomal Dominant Sleep-Related Hypermotor (Hyperkinetic) Epilepsy. Identifiers: Orphanet 98784, MedGen C3696898, MONDO:0000030.

Submission:

Labcorp Genetics (formerly Invitae), Labcorp
Classification: Uncertain significance. Last evaluated: 2022-06-04. Review status: criteria provided, single submitter. Criteria: Invitae Variant Classification Sherloc (09022015). Collection method: clinical testing. Allele origin: germline.
Comment: This sequence change replaces glutamic acid, which is acidic and polar, with glycine, which is neutral and non-polar, at codon 438 of the CHRNA4 protein (p.Glu438Gly). This variant is not present in population databases (gnomAD no frequency). This variant has not been reported in the literature in individuals affected with CHRNA4-related conditions. ClinVar contains an entry for this variant (Variation ID: 944990). Algorithms developed to predict the effect of missense changes on protein structure and function output the following: SIFT: "Tolerated"; PolyPhen-2: "Benign"; Align-GVGD: "Class C0". The glycine amino acid residue is found in multiple mammalian species, which suggests that this missense change does not adversely affect protein function. In summary, the available evidence is currently insufficient to determine the role of this variant in disease. Therefore, it has been classified as a Variant of Uncertain Significance.